The following is an entry in ClinVar:

ClinVar aggregate classification (germline): Uncertain significance (1 of 4 stars; one submission).

Conditions:
Adams-Oliver syndrome 5 (AOS5). Identifiers: Orphanet 974, MedGen C4014970, MONDO:0014459, OMIM 616028.

Submission:

Labcorp Genetics (formerly Invitae), Labcorp
Classification: Uncertain significance for Adams-Oliver syndrome 5. Last evaluated: 2025-12-16. Review status: criteria provided, single submitter. Criteria: Invitae Variant Classification Sherloc (09022015). Collection method: clinical testing. Allele origin: germline.
Comment: This sequence change replaces cysteine, which is neutral and slightly polar, with tyrosine, which is neutral and polar, at codon 254 of the NOTCH1 protein (p.Cys254Tyr). This variant is not present in population databases (gnomAD no frequency). This variant has not been reported in the literature in individuals affected with NOTCH1-related conditions. Invitae Evidence Modeling of protein sequence and biophysical properties (such as structural, functional, and spatial information, amino acid conservation, physicochemical variation, residue mobility, and thermodynamic stability) indicates that this missense variant is expected to disrupt NOTCH1 protein function with a positive predictive value of 95%. In summary, the available evidence is currently insufficient to determine the role of this variant in disease. Therefore, it has been classified as a Variant of Uncertain Significance.

NM_017617.5(NOTCH1):c.761G>A (p.Cys254Tyr)

Gene: NOTCH1 (notch receptor 1; minus strand). Cytogenetic location: 9q34.3.
Variant type: single nucleotide variant.
Coding change: c.761G>A on transcript NM_017617.5 (MANE Select); coding-DNA position 761, G replaced by A.
Protein change: p.Cys254Tyr; replaces cysteine 254 with tyrosine.
Molecular consequence: missense variant.
Genome position (GRCh38, 1-based): chr9:136,519,547, C>T on the plus strand (G>A on the coding strand, the complement: NOTCH1 is on the minus strand). VCF-style: chr9-136519547-C-T. GRCh37 (hg19) VCF-style: chr9-139413999-C-T.
Other names: short protein forms C254Y.
Identifiers: ClinVar variation 4801897 (VCV004801897.1).